The following is an entry in ClinVar:

ClinVar aggregate classification (germline): Benign. Review status: criteria provided, multiple submitters, no conflicts (2 of 4 stars). 2 submissions from 2 submitters: Benign (2). Last evaluated 2025-12-17.

Allele frequency attached by ClinVar (database versions not stated): gnomAD exomes 0.00029; ESP Exome Variant Server 0.00085; 1000 Genomes Project 30x 0.00094; gnomAD 0.00108 and 0.00122; TOPMed 0.00154; ExAC 0.00035; 1000 Genomes Project 0.00080.
gnomAD v4.1: 373 of 1,614,062 alleles (0.023%); highest among the groups gnomAD compares: African/African-American, 0.43%; no homozygotes.

Submissions (2):

Labcorp Genetics (formerly Invitae), Labcorp
Classification: Benign. Last evaluated: 2025-12-17. Review status: criteria provided, single submitter. Criteria: Invitae Variant Classification Sherloc (09022015). Collection method: clinical testing. Allele origin: germline.

GeneDx
Classification: Benign. Last evaluated: 2015-08-31. Review status: criteria provided, single submitter. Criteria: GeneDx Variant Classification (06012015). Collection method: clinical testing. Allele origin: germline. Affected: yes.
Comment: This variant is considered likely benign or benign based on one or more of the following criteria: it is a conservative change, it occurs at a poorly conserved position in the protein, it is predicted to be benign by multiple in silico algorithms, and/or has population frequency not consistent with disease.

NM_003321.5(TUFM):c.922+16C>T

Gene: TUFM (Tu translation elongation factor, mitochondrial; minus strand). Cytogenetic location: 16p11.2.
Variant type: single nucleotide variant.
Coding change: c.922+16C>T on transcript NM_003321.5 (MANE Select); 16 bases into the intron after coding-DNA position 922, C replaced by T.
Molecular consequence: intron variant.
Genome position (GRCh38, 1-based): chr16:28,844,214, G>A on the plus strand (C>T on the coding strand, the complement: TUFM is on the minus strand). VCF-style: chr16-28844214-G-A. GRCh37 (hg19) VCF-style: chr16-28855535-G-A.
Other names: c.838+100C>T (NM_001365360.2).
Identifiers: ClinVar variation 379547 (VCV000379547.6), dbSNP rs147943043, ClinGen allele CA7985490.